The following is an entry in ClinVar:

NM_015965.7(NDUFA13):c.94+3C>G

Genes: NDUFA13 (NADH:ubiquinone oxidoreductase subunit A13; plus strand), LOC130064074 (ATAC-STARR-seq lymphoblastoid active region 14360; plus strand). Cytogenetic location: 19p13.11.
Variant type: single nucleotide variant.
Coding change: c.94+3C>G on transcript NM_015965.7 (MANE Select); 3 bases into the intron after coding-DNA position 94, C replaced by G.
Molecular consequence: intron variant.
Genome position (GRCh38, 1-based): chr19:19,516,335, C>G. VCF-style: chr19-19516335-C-G. GRCh37 (hg19) VCF-style: chr19-19627144-C-G.
Identifiers: ClinVar variation 1917976 (VCV001917976.5), dbSNP rs768392940, ClinGen allele CA9327644.

ClinVar aggregate classification (germline): Uncertain significance (1 of 4 stars; one submission).

Submission:

Labcorp Genetics (formerly Invitae), Labcorp
Classification: Uncertain significance. Last evaluated: 2023-08-04. Review status: criteria provided, single submitter. Criteria: Invitae Variant Classification Sherloc (09022015). Collection method: clinical testing. Allele origin: germline.
Comment: In summary, the available evidence is currently insufficient to determine the role of this variant in disease. Therefore, it has been classified as a Variant of Uncertain Significance. Variants that disrupt the consensus splice site are a relatively common cause of aberrant splicing (PMID: 17576681, 9536098). Algorithms developed to predict the effect of sequence changes on RNA splicing suggest that this variant is not likely to affect RNA splicing. ClinVar contains an entry for this variant (Variation ID: 1917976). This variant has not been reported in the literature in individuals affected with NDUFA13-related conditions. This variant is present in population databases (rs768392940, gnomAD 0.003%). This sequence change falls in intron 1 of the NDUFA13 gene. It does not directly change the encoded amino acid sequence of the NDUFA13 protein. It affects a nucleotide within the consensus splice site.

Literature cited by the submitters: PubMed 17576681; PubMed 9536098.